The following is an entry in ClinVar:

NM_001048174.2(MUTYH):c.116-8_124delinsTCAGCCG

Gene: MUTYH (mutY DNA glycosylase; minus strand). Cytogenetic location: 1p34.1.
Variant type: Indel.
Coding change: c.116-8_124delinsTCAGCCG on transcript NM_001048174.2 (MANE Select); 8 bases into the intron before coding-DNA position 116 through coding-DNA position 124, CCCAGCAGGCCTGGCCA replaced by TCAGCCG.
Molecular consequence: splice acceptor variant. On other transcripts: frameshift variant (8), intron variant (5).
Genome position (GRCh38, 1-based): chr1:45,333,553-45,333,569, TGGCCAGGCCTGCTGGG replaced by CGGCTGA on the plus strand (CCCAGCAGGCCTGGCCA replaced by TCAGCCG on the coding strand, the reverse complement: MUTYH is on the minus strand). VCF-style: chr1-45333553-TGGCCAGGCCTGCTGGG-CGGCTGA. GRCh37 (hg19) VCF-style: chr1-45799225-TGGCCAGGCCTGCTGGG-CGGCTGA.
Other names: c.192_208delinsTCAGCCG, p.Pro65fs (NM_001128425.2); c.141_157delinsTCAGCCG, p.Pro48fs (NM_001293191.2, NM_001407077.1); c.183_199delinsTCAGCCG, p.Pro62fs (NM_001407069.1, NM_012222.3); c.116-8_124delinsTCAGCCG (NM_001048171.2, NM_001407070.1, NM_001407080.1 and 6 more transcripts); c.158-5_169delinsTCAGCCG (NM_001293190.2); c.116-5_127delinsTCAGCCG (NM_001407071.1, NM_001407079.1, NM_001048172.2 and 2 more transcripts); c.-92-72_-92-56delinsTCAGCCG (NM_001407082.1, NM_001350651.2); c.-97-72_-97-56delinsTCAGCCG (NM_001293196.2, NM_001407091.1, NM_001293192.2); and 5 more; short protein forms P48fs, P51fs, P62fs, P65fs, P9fs.
Identifiers: ClinVar variation 2676905 (VCV002676905.2), dbSNP rs2524284138, ClinGen allele CA2695198029.

ClinVar aggregate classification (germline): Likely pathogenic. Review status: criteria provided, multiple submitters, no conflicts (2 of 4 stars). 2 submissions from 2 submitters: Likely pathogenic (2). Last evaluated 2025-07-07.

Conditions:
Hereditary cancer-predisposing syndrome. Also called: Neoplastic Syndromes, Hereditary; Tumor predisposition; Hereditary Cancer Syndrome; Hereditary neoplastic syndrome. Identifiers: Orphanet 140162, MedGen C0027672, MeSH D009386, MONDO:0015356.
Familial adenomatous polyposis 2. Also called: COLORECTAL ADENOMATOUS POLYPOSIS, AUTOSOMAL RECESSIVE; ADENOMAS, MULTIPLE COLORECTAL, AUTOSOMAL RECESSIVE; FAP type 2; MUTYH Polyposis; MYH-associated polyposis; Adenomas, multiple colorectal. Identifiers: Orphanet 220460, Orphanet 247798, MedGen C3272841, MONDO:0012041, OMIM 608456.

Submissions (2):

Ambry Genetics
Classification: Likely pathogenic for Hereditary cancer-predisposing syndrome. Last evaluated: 2025-07-07. Review status: criteria provided, single submitter. Criteria: Ambry Variant Classification Scheme 2023. Collection method: clinical testing. Allele origin: germline.
Comment: The c.192_208del17insTCAGCCG variant, located in coding exon 3 of the MUTYH gene, results from the deletion of 17 nucleotides and insertion of 7 nucleotides causing a translational frameshift with a predicted alternate stop codon (p.P65Qfs*23). This alteration is expected to result in loss of function by premature protein truncation or nonsense-mediated mRNA decay. Based on the majority of available evidence to date, this variant is likely to be pathogenic.

Baylor Genetics
Classification: Likely pathogenic for Familial adenomatous polyposis 2. Last evaluated: 2022-05-04. Review status: criteria provided, single submitter. Criteria: ACMG Guidelines, 2015. Collection method: clinical testing. Allele origin: unknown.